The following is an entry in ClinVar:

NM_001875.5(CPS1):c.4164_4168delinsTT (p.Phe1389_Ala1390delinsSer)

Gene: CPS1 (carbamoyl-phosphate synthase 1; plus strand). Cytogenetic location: 2q34.
Variant type: Indel.
Coding change: c.4164_4168delinsTT on transcript NM_001875.5 (MANE Select); coding-DNA positions 4164 to 4168, GTTTG replaced by TT.
Protein change: p.Phe1389_Ala1390delinsSer.
Molecular consequence: inframe indel. On other transcripts: non-coding transcript variant (2).
Genome position (GRCh38, 1-based): chr2:210,675,730-210,675,734, GTTTG replaced by TT. VCF-style: chr2-210675730-GTTTG-TT. GRCh37 (hg19) VCF-style: chr2-211540454-GTTTG-TT.
Other names: c.4164_4168delinsTT, p.Phe1389_Ala1390delinsSer (NM_001122633.3, NM_001369257.1); c.4197_4201delinsTT, p.Phe1400_Ala1401delinsSer (NM_001369256.1).
Identifiers: ClinVar variation 4823836 (VCV004823836.4).

ClinVar aggregate classification (germline): Likely pathogenic (1 of 4 stars; one submission).

Submission:

CeGaT Center for Human Genetics Tuebingen
Classification: Likely pathogenic. Last evaluated: 2026-03-01. Review status: criteria provided, single submitter. Criteria: CeGaT Center For Human Genetics Tuebingen Variant Classification Criteria Version 2. Collection method: clinical testing. Allele origin: germline. Affected: yes. Observed: 2 variant alleles.
Comment: CPS1: PM2, PM3, PM4, PP4